The following is an entry in ClinVar:

NC_000016.9:g.(?_8851594)_(8941682_?)dup

Genes: ABAT (4-aminobutyrate aminotransferase; plus strand), PMM2 (phosphomannomutase 2; plus strand), TMEM186 (transmembrane protein 186; minus strand). Cytogenetic location: 16p13.2.
Variant type: Duplication.
Identifiers: ClinVar variation 3243343 (VCV003243343.1).

ClinVar aggregate classification (germline): Uncertain significance (1 of 4 stars; one submission).

Conditions:
Gamma-aminobutyric acid transaminase deficiency (GABATD). Also called: GABA transaminase deficiency; Gamma aminobutyrate transaminase deficiency; 4 alpha aminobutyrate transaminase deficiency; GABA aminotransaminase deficiency. Identifiers: Orphanet 2066, MedGen C0342708, MONDO:0013166, OMIM 613163.

Submission:

Labcorp Genetics (formerly Invitae), Labcorp
Classification: Uncertain significance for Gamma-aminobutyric acid transaminase deficiency. Last evaluated: 2022-08-06. Review status: criteria provided, single submitter. Criteria: Invitae Variant Classification Sherloc (09022015). Collection method: clinical testing. Allele origin: unknown.
Comment: In summary, the available evidence is currently insufficient to determine the role of this variant in disease. Therefore, it has been classified as a Variant of Uncertain Significance. Experimental studies and prediction algorithms are not available or were not evaluated, and the functional significance of this variant is currently unknown. This variant has not been reported in the literature in individuals affected with ABAT-related conditions. This variant results in a copy number gain of the genomic region encompassing exon(s) 6-16 of the ABAT gene. This region includes the termination codon of the gene. This copy number gain extends beyond the assayed region for this gene and therefore may encompass additional genes. As the precise location of this event is unknown, it may be in tandem or it may be located elsewhere in the genome.